The following is an entry in ClinVar:

NM_000179.3(MSH6):c.3728C>G (p.Thr1243Arg)

Gene: MSH6 (mutS homolog 6; plus strand). Cytogenetic location: 2p16.3.
Variant type: single nucleotide variant.
Coding change: c.3728C>G on transcript NM_000179.3 (MANE Select); coding-DNA position 3728, C replaced by G.
Protein change: p.Thr1243Arg; replaces threonine 1243 with arginine.
Molecular consequence: missense variant.
Genome position (GRCh38, 1-based): chr2:47,806,285, C>G. VCF-style: chr2-47806285-C-G. GRCh37 (hg19) VCF-style: chr2-48033424-C-G.
Other names: c.3338C>G, p.Thr1113Arg (NM_001281492.2); c.2822C>G, p.Thr941Arg (NM_001281493.2, NM_001281494.2, NM_001406811.1 and 6 more transcripts); c.3824C>G, p.Thr1275Arg (NM_001406795.1, NM_001406802.1); c.3728C>G, p.Thr1243Arg (NM_001406796.1, NM_001406800.1, NM_001406808.1 and 1 more transcripts); c.3431C>G, p.Thr1144Arg (NM_001406797.1, NM_001406801.1, NM_001406805.1 and 10 more transcripts); c.3554C>G, p.Thr1185Arg (NM_001406798.1); c.3203C>G, p.Thr1068Arg (NM_001406799.1, NM_001406806.1, NM_001406807.1); c.2864C>G, p.Thr955Arg (NM_001406803.1); and 7 more; short protein forms T1113R, T1275R, T170R, T721R, T1185R, T1187R, T1243R, T1245R.
Identifiers: ClinVar variation 1734346 (VCV001734346.8), dbSNP rs878853737, ClinGen allele CA346761030.

ClinVar aggregate classification (germline): Uncertain significance. Review status: criteria provided, multiple submitters, no conflicts (2 of 4 stars). 3 submissions from 3 submitters: Uncertain significance (3). Last evaluated 2023-05-17.

Conditions:
Hereditary cancer-predisposing syndrome. Also called: Hereditary Cancer Syndrome; Hereditary neoplastic syndrome; Neoplastic Syndromes, Hereditary; Tumor predisposition. Identifiers: Orphanet 140162, MedGen C0027672, MeSH D009386, MONDO:0015356.
Hereditary nonpolyposis colorectal neoplasms. Identifiers: MedGen C0009405, MeSH D003123.

Submissions (3):

Blueprint Genetics
Classification: Uncertain significance. Last evaluated: 2023-05-17. Review status: criteria provided, single submitter. Criteria: ACMG Guidelines, 2015. Collection method: clinical testing. Allele origin: germline.

Ambry Genetics
Classification: Uncertain significance for Hereditary cancer-predisposing syndrome. Last evaluated: 2022-07-14. Review status: criteria provided, single submitter. Criteria: Ambry Variant Classification Scheme 2023. Collection method: clinical testing. Allele origin: germline.
Comment: The p.T1243R variant (also known as c.3728C>G), located in coding exon 8 of the MSH6 gene, results from a C to G substitution at nucleotide position 3728. The threonine at codon 1243 is replaced by arginine, an amino acid with similar properties. This amino acid position is highly conserved in available vertebrate species. In addition, this alteration is predicted to be deleterious by in silico analysis. Since supporting evidence is limited at this time, the clinical significance of this alteration remains unclear.

Labcorp Genetics (formerly Invitae), Labcorp
Classification: Uncertain significance for Hereditary nonpolyposis colorectal neoplasms. Last evaluated: 2022-05-22. Review status: criteria provided, single submitter. Criteria: Invitae Variant Classification Sherloc (09022015). Collection method: clinical testing. Allele origin: germline.
Comment: This variant is not present in population databases (gnomAD no frequency). This sequence change replaces threonine, which is neutral and polar, with arginine, which is basic and polar, at codon 1243 of the MSH6 protein (p.Thr1243Arg). This variant has not been reported in the literature in individuals affected with MSH6-related conditions. Advanced modeling of protein sequence and biophysical properties (such as structural, functional, and spatial information, amino acid conservation, physicochemical variation, residue mobility, and thermodynamic stability) performed at Invitae indicates that this missense variant is expected to disrupt MSH6 protein function. In summary, the available evidence is currently insufficient to determine the role of this variant in disease. Therefore, it has been classified as a Variant of Uncertain Significance.